The following is an entry in ClinVar:

ClinVar aggregate classification (germline): Uncertain significance (1 of 4 stars; one submission).

Submission:

GeneDx
Classification: Uncertain significance. Last evaluated: 2023-11-17. Review status: criteria provided, single submitter. Criteria: GeneDx Variant Classification Process June 2021. Collection method: clinical testing. Allele origin: germline. Affected: yes.
Comment: Not observed at significant frequency in large population cohorts (gnomAD); In silico analysis supports that this missense variant has a deleterious effect on protein structure/function; Has not been previously published as pathogenic or benign to our knowledge

NM_002971.6(SATB1):c.137G>A (p.Gly46Glu)

Gene: SATB1 (SATB homeobox 1; minus strand). Cytogenetic location: 3p24.3.
Variant type: single nucleotide variant.
Coding change: c.137G>A on transcript NM_002971.6 (MANE Select); coding-DNA position 137, G replaced by A.
Protein change: p.Gly46Glu; replaces glycine 46 with glutamic acid.
Molecular consequence: missense variant. On other transcripts: intron variant (1).
Genome position (GRCh38, 1-based): chr3:18,420,831, C>T on the plus strand (G>A on the coding strand, the complement: SATB1 is on the minus strand). VCF-style: chr3-18420831-C-T. GRCh37 (hg19) VCF-style: chr3-18462323-C-T.
Other names: c.137G>A, p.Gly46Glu (NM_001131010.4, NM_001195470.3, NM_001322871.2 and 4 more transcripts); c.-5-3753G>A (NM_001322876.2); short protein forms G46E.
Identifiers: ClinVar variation 3364526 (VCV003364526.1).
Genomic context (GRCh38, chr3:18,420,831, plus strand): 5'-GTTTTCATCAGATGGCCCGAGTGTTTTAAAGGCACTCCCTGCATTTTTGCACCTGTACTC[C>T]CAAGCCTTCCTCTTCCTAGCGGGCTCCCGTTCTGCTCCAGGCGGGCAATCTTGGCTGGTG-3'
Protein context (NP_002962.1, residues 36-56): NGSPLGRGRL[Gly46Glu]STGAKMQGVP